The following is an entry in ClinVar:

NM_002473.6(MYH9):c.2490C>T (p.Leu830=)

Gene: MYH9 (myosin heavy chain 9; minus strand). Cytogenetic location: 22q12.3.
Variant type: single nucleotide variant.
Coding change: c.2490C>T on transcript NM_002473.6 (MANE Select); coding-DNA position 2490, C replaced by T.
Protein change: p.Leu830=; no amino-acid change (leucine 830 retained).
Molecular consequence: synonymous variant.
Genome position (GRCh38, 1-based): chr22:36,302,577, G>A on the plus strand (C>T on the coding strand, the complement: MYH9 is on the minus strand). VCF-style: chr22-36302577-G-A. GRCh37 (hg19) VCF-style: chr22-36698623-G-A.
Identifiers: ClinVar variation 3042343 (VCV003042343.2), dbSNP rs923335271, ClinGen allele CA323597918.

ClinVar aggregate classification (germline): Likely benign (0 of 4 stars; one submission).

Conditions:
MYH9-related disorder. Identifiers: MedGen C1854520.

Allele frequency attached by ClinVar (database versions not stated): gnomAD exomes 0.00002.
gnomAD v4.1: 22 of 1,613,010 alleles (0.0014%); highest among the groups gnomAD compares: Non-Finnish European, 0.0019%; no homozygotes.

Submission:

PreventionGenetics, part of Exact Sciences
Classification: Likely benign for MYH9-related condition. Last evaluated: 2019-05-31. Review status: no assertion criteria provided. Collection method: clinical testing. Allele origin: germline.
Comment: This variant is classified as likely benign based on ACMG/AMP sequence variant interpretation guidelines (Richards et al. 2015 PMID: 25741868, with internal and published modifications).